The following is an entry in ClinVar:

ClinVar aggregate classification (germline): Uncertain significance. Review status: criteria provided, multiple submitters, no conflicts (2 of 4 stars). 3 submissions from 3 submitters: Uncertain significance (3). Last evaluated 2025-09-01.

Conditions:
Bethlem myopathy 1A. Also called: MYOPATHY, BENIGN CONGENITAL, WITH CONTRACTURES; Bethlem myopathy 1; Bethlem Muscular Dystrophy. Identifiers: Orphanet 610, MedGen CN029274, MONDO:0024530, OMIM 158810.
Inborn genetic diseases. Identifiers: MedGen C0950123, MeSH D030342.

Allele frequency attached by ClinVar (database versions not stated): ExAC 0.00001; gnomAD 0.00001; gnomAD exomes 0.00001; TOPMed 0.00003; ESP Exome Variant Server 0.00008.
gnomAD v4.1: 8 of 1,613,972 alleles (0.0005%); highest among the groups gnomAD compares: Non-Finnish European, 0.00068%; no homozygotes.

Submissions (3):

CeGaT Center for Human Genetics Tuebingen
Classification: Uncertain significance. Last evaluated: 2025-09-01. Review status: criteria provided, single submitter. Criteria: CeGaT Center For Human Genetics Tuebingen Variant Classification Criteria Version 2. Collection method: clinical testing. Allele origin: germline. Affected: yes. Observed: 1 variant allele.
Comment: COL6A3: PM2

Labcorp Genetics (formerly Invitae), Labcorp
Classification: Uncertain significance for Bethlem myopathy 1A. Last evaluated: 2025-07-29. Review status: criteria provided, single submitter. Criteria: Invitae Variant Classification Sherloc (09022015). Collection method: clinical testing. Allele origin: germline.
Comment: This sequence change replaces aspartic acid, which is acidic and polar, with asparagine, which is neutral and polar, at codon 1263 of the COL6A3 protein (p.Asp1263Asn). This variant is present in population databases (rs376725775, gnomAD 0.0009%). This variant has not been reported in the literature in individuals affected with COL6A3-related conditions. ClinVar contains an entry for this variant (Variation ID: 1938130). Invitae Evidence Modeling of protein sequence and biophysical properties (such as structural, functional, and spatial information, amino acid conservation, physicochemical variation, residue mobility, and thermodynamic stability) indicates that this missense variant is not expected to disrupt COL6A3 protein function with a negative predictive value of 80%. In summary, the available evidence is currently insufficient to determine the role of this variant in disease. Therefore, it has been classified as a Variant of Uncertain Significance.

Ambry Genetics
Classification: Uncertain significance for Inborn genetic diseases. Last evaluated: 2024-04-09. Review status: criteria provided, single submitter. Criteria: Ambry Variant Classification Scheme 2023. Collection method: clinical testing. Allele origin: germline.

NM_004369.4(COL6A3):c.3787G>A (p.Asp1263Asn)

Gene: COL6A3 (collagen type VI alpha 3 chain; minus strand). Cytogenetic location: 2q37.3.
Variant type: single nucleotide variant.
Coding change: c.3787G>A on transcript NM_004369.4 (MANE Select); coding-DNA position 3787, G replaced by A.
Protein change: p.Asp1263Asn; replaces aspartic acid 1263 with asparagine.
Molecular consequence: missense variant.
Genome position (GRCh38, 1-based): chr2:237,372,230, C>T on the plus strand (G>A on the coding strand, the complement: COL6A3 is on the minus strand). VCF-style: chr2-237372230-C-T. GRCh37 (hg19) VCF-style: chr2-238280873-C-T.
Other names: c.2566G>A, p.Asp856Asn (NM_057164.5); c.3169G>A, p.Asp1057Asn (NM_057165.5, NM_057167.4); c.1966G>A, p.Asp656Asn (NM_057166.5); short protein forms D1263N, D1057N, D656N, D856N.
Identifiers: ClinVar variation 1938130 (VCV001938130.13), dbSNP rs376725775, ClinGen allele CA2189074.